The following is an entry in ClinVar:

ClinVar aggregate classification (germline): Uncertain significance (1 of 4 stars; one submission).

Conditions:
Spermatogenic failure 18. Identifiers: MedGen C4539783, MONDO:0054615, OMIM 617576.
Ciliary dyskinesia, primary, 37 (CILD37). Also called: CILIARY DYSKINESIA, PRIMARY, 37, WITH OR WITHOUT SITUS INVERSUS. Identifiers: MedGen C4539798, MONDO:0033204, OMIM 617577.

Allele frequency attached by ClinVar (database versions not stated): TOPMed below 0.00001; gnomAD 0.00001.
gnomAD v4.1: 4 of 1,612,610 alleles (0.00025%); highest among the groups gnomAD compares: Admixed American, 0.0017%; no homozygotes.

Submission:

Labcorp Genetics (formerly Invitae), Labcorp
Classification: Uncertain significance for Ciliary dyskinesia, primary, 37; Spermatogenic failure 18. Last evaluated: 2023-12-18. Review status: criteria provided, single submitter. Criteria: Invitae Variant Classification Sherloc (09022015). Collection method: clinical testing. Allele origin: germline.
Comment: This sequence change replaces alanine, which is neutral and non-polar, with valine, which is neutral and non-polar, at codon 2749 of the DNAH1 protein (p.Ala2749Val). This variant is not present in population databases (gnomAD no frequency). This variant has not been reported in the literature in individuals affected with DNAH1-related conditions. ClinVar contains an entry for this variant (Variation ID: 1398146). Advanced modeling of protein sequence and biophysical properties (such as structural, functional, and spatial information, amino acid conservation, physicochemical variation, residue mobility, and thermodynamic stability) performed at Invitae indicates that this missense variant is expected to disrupt DNAH1 protein function with a positive predictive value of 80%. In summary, the available evidence is currently insufficient to determine the role of this variant in disease. Therefore, it has been classified as a Variant of Uncertain Significance.

NM_015512.5(DNAH1):c.8246C>T (p.Ala2749Val)

Gene: DNAH1 (dynein axonemal heavy chain 1; plus strand). Cytogenetic location: 3p21.1.
Variant type: single nucleotide variant.
Coding change: c.8246C>T on transcript NM_015512.5 (MANE Select); coding-DNA position 8246, C replaced by T.
Protein change: p.Ala2749Val; replaces alanine 2749 with valine.
Molecular consequence: missense variant.
Genome position (GRCh38, 1-based): chr3:52,383,955, C>T. VCF-style: chr3-52383955-C-T. GRCh37 (hg19) VCF-style: chr3-52417971-C-T.
Other names: short protein forms A2749V.
Identifiers: ClinVar variation 1398146 (VCV001398146.4), dbSNP rs373270594, ClinGen allele CA353185204.